The following is an entry in ClinVar:

NM_001851.6(COL9A1):c.550A>G (p.Met184Val)

Gene: COL9A1 (collagen type IX alpha 1 chain; minus strand). Cytogenetic location: 6q13.
Variant type: single nucleotide variant.
Coding change: c.550A>G on transcript NM_001851.6 (MANE Select); coding-DNA position 550, A replaced by G.
Protein change: p.Met184Val; replaces methionine 184 with valine.
Molecular consequence: missense variant.
Genome position (GRCh38, 1-based): chr6:70,294,313, T>C on the plus strand (A>G on the coding strand, the complement: COL9A1 is on the minus strand). VCF-style: chr6-70294313-T-C. GRCh37 (hg19) VCF-style: chr6-71004016-T-C.
Other names: c.550A>G, p.Met184Val (NM_001377291.1); short protein forms M184V.
Identifiers: ClinVar variation 3764105 (VCV003764105.1).

ClinVar aggregate classification (germline): Uncertain significance (1 of 4 stars; one submission).

Submission:

GeneDx
Classification: Uncertain significance. Last evaluated: 2024-08-21. Review status: criteria provided, single submitter. Criteria: GeneDx Variant Classification Process June 2021. Collection method: clinical testing. Allele origin: germline. Affected: yes.
Comment: Not observed at significant frequency in large population cohorts (gnomAD); In silico analysis indicates that this missense variant does not alter protein structure/function; Has not been previously published as pathogenic or benign to our knowledge